The following is an entry in ClinVar:

NM_177972.3(TUB):c.601G>A (p.Glu201Lys)

Genes: RIC3 (RIC3 acetylcholine receptor chaperone; minus strand), TUB (TUB bipartite transcription factor; plus strand). Cytogenetic location: 11p15.4.
Variant type: single nucleotide variant.
Coding change: c.601G>A on transcript NM_177972.3 (MANE Select); coding-DNA position 601, G replaced by A.
Protein change: p.Glu201Lys; replaces glutamic acid 201 with lysine.
Molecular consequence: missense variant.
Genome position (GRCh38, 1-based): chr11:8,096,720, G>A. VCF-style: chr11-8096720-G-A. GRCh37 (hg19) VCF-style: chr11-8118267-G-A.
Other names: c.766G>A, p.Glu256Lys (NM_003320.5); short protein forms E201K, E256K.
Identifiers: ClinVar variation 1054971 (VCV001054971.7), dbSNP rs2133872505, ClinGen allele CA379567774.

ClinVar aggregate classification (germline): Uncertain significance (1 of 4 stars; one submission).

Submission:

Labcorp Genetics (formerly Invitae), Labcorp
Classification: Uncertain significance. Last evaluated: 2023-11-13. Review status: criteria provided, single submitter. Criteria: Invitae Variant Classification Sherloc (09022015). Collection method: clinical testing. Allele origin: germline.
Comment: This sequence change replaces glutamic acid, which is acidic and polar, with lysine, which is basic and polar, at codon 256 of the TUB protein (p.Glu256Lys). This variant is not present in population databases (gnomAD no frequency). This variant has not been reported in the literature in individuals affected with TUB-related conditions. ClinVar contains an entry for this variant (Variation ID: 1054971). An algorithm developed to predict the effect of missense changes on protein structure and function (PolyPhen-2) suggests that this variant is likely to be disruptive. In summary, the available evidence is currently insufficient to determine the role of this variant in disease. Therefore, it has been classified as a Variant of Uncertain Significance.